The following is an entry in ClinVar:

NM_007294.4(BRCA1):c.383T>A (p.Met128Lys)

Gene: BRCA1 (BRCA1 DNA repair associated; minus strand). Cytogenetic location: 17q21.31.
Variant type: single nucleotide variant.
Coding change: c.383T>A on transcript NM_007294.4 (MANE Select); coding-DNA position 383, T replaced by A.
Protein change: p.Met128Lys; replaces methionine 128 with lysine.
Molecular consequence: missense variant. On other transcripts: initiator codon variant (7), intron variant (2).
Genome position (GRCh38, 1-based): chr17:43,104,180, A>T on the plus strand (T>A on the coding strand, the complement: BRCA1 is on the minus strand). VCF-style: chr17-43104180-A-T. GRCh37 (hg19) VCF-style: chr17-41256197-A-T.
Other names: c.242T>A, p.Met81Lys (NM_001407694.1, NM_001407695.1, NM_001407696.1 and 99 more transcripts); c.173T>A, p.Met58Lys (NM_001407571.1, NM_001407853.1, NM_001408490.1 and 58 more transcripts); c.383T>A, p.Met128Lys (NM_001407581.1, NM_001407582.1, NM_001407583.1 and 165 more transcripts); c.374T>A, p.Met125Lys (NM_001407646.1, NM_001407647.1, NM_001408408.1); c.305T>A, p.Met102Lys (NM_001407653.1, NM_001407654.1, NM_001407655.1 and 21 more transcripts); c.2T>A, p.Met1Lys (NM_001408510.1, NM_001408512.1, NM_001407959.1 and 4 more transcripts); c.-218-9320T>A (NM_001407967.1, NM_001407966.1); c.251T>A, p.Met84Lys (NM_001408451.1); short protein forms M102K, M125K, M128K, M1K, M58K, M81K, M84K.
Identifiers: ClinVar variation 3226146 (VCV003226146.1), dbSNP rs1064793053, ClinGen allele CA10601377.

ClinVar aggregate classification (germline): Uncertain significance (1 of 4 stars; one submission).

Conditions:
Hereditary cancer-predisposing syndrome. Also called: Neoplastic Syndromes, Hereditary; Tumor predisposition; Hereditary neoplastic syndrome; Hereditary Cancer Syndrome. Identifiers: Orphanet 140162, MedGen C0027672, MeSH D009386, MONDO:0015356.

Submission:

Ambry Genetics
Classification: Uncertain significance for Hereditary cancer-predisposing syndrome. Last evaluated: 2023-10-29. Review status: criteria provided, single submitter. Criteria: Ambry Variant Classification Scheme 2023. Collection method: clinical testing. Allele origin: germline.
Comment: The p.M128K variant (also known as c.383T>A), located in coding exon 5 of the BRCA1 gene, results from a T to A substitution at nucleotide position 383. The methionine at codon 128 is replaced by lysine, an amino acid with similar properties. This amino acid position is not well conserved in available vertebrate species. In addition, this alteration is predicted to be deleterious by in silico analysis. Since supporting evidence is limited at this time, the clinical significance of this alteration remains unclear.